The following is an entry in ClinVar:

ClinVar aggregate classification (germline): Likely pathogenic (1 of 4 stars; one submission).

Allele frequency attached by ClinVar (database versions not stated): gnomAD exomes 0.00001; gnomAD 0.00002.
gnomAD v4.1: 20 of 1,613,110 alleles (0.0012%); highest among the groups gnomAD compares: Non-Finnish European, 0.0015%; no homozygotes.

Submission:

Mayo Clinic Laboratories, Mayo Clinic
Classification: Likely pathogenic. Last evaluated: 2020-08-20. Review status: criteria provided, single submitter. Criteria: ACMG Guidelines, 2015. Collection method: clinical testing. Allele origin: germline. Observed: 1 variant allele.
Comment: PS4_moderate, PM1, PM2, PP3

Literature cited by the submitters: PubMed 30507709; PubMed 28576875.

NM_000504.4(F10):c.1247A>T (p.Gln416Leu)

Genes: F10 (coagulation factor X; plus strand), F10-AS2 (F10 antisense RNA 2; minus strand). Cytogenetic location: 13q34.
Variant type: single nucleotide variant.
Coding change: c.1247A>T on transcript NM_000504.4 (MANE Select); coding-DNA position 1247, A replaced by T.
Protein change: p.Gln416Leu; replaces glutamine 416 with leucine.
Molecular consequence: missense variant. On other transcripts: 3 prime UTR variant (1).
Genome position (GRCh38, 1-based): chr13:113,149,297, A>T. VCF-style: chr13-113149297-A-T. GRCh37 (hg19) VCF-style: chr13-113803611-A-T.
Other names: c.1115A>T, p.Gln372Leu (NM_001312674.2); c.*238A>T (NM_001312675.2); short protein forms Q372L, Q416L.
Identifiers: ClinVar variation 1163549 (VCV001163549.5), dbSNP rs759544193, ClinGen allele CA256478725.